The following is an entry in ClinVar:

ClinVar aggregate classification (germline): Conflicting classifications of pathogenicity. Review status: criteria provided, conflicting classifications (1 of 4 stars). 7 submissions from 7 submitters: Uncertain significance (4); Likely benign (3). Last evaluated 2026-05-26.

Conditions:
TTN-related disorder. Also called: TTN-related disorders; TTN-related condition; TTN-related disease.
Cardiovascular phenotype. Identifiers: MedGen CN230736.
Dilated cardiomyopathy 1G (CMD1G). Identifiers: Orphanet 154, MedGen C1858763, MONDO:0011400, OMIM 604145.
Autosomal recessive limb-girdle muscular dystrophy type 2J (LGMDR10). Also called: Limb-girdle muscular dystrophy, type 2J; MUSCULAR DYSTROPHY, LIMB-GIRDLE, AUTOSOMAL RECESSIVE 10. Identifiers: Orphanet 140922, MedGen C1837342, MONDO:0012127, OMIM 608807.

Allele frequency attached by ClinVar (database versions not stated): gnomAD exomes 0.00003 and 0.00009; ExAC 0.00009; ESP Exome Variant Server 0.00016; gnomAD 0.00018 and 0.00019; TOPMed 0.00023; 1000 Genomes Project 0.00060; 1000 Genomes Project 30x 0.00094.
gnomAD v4.1: 76 of 1,611,908 alleles (0.0047%); highest among the groups gnomAD compares: African/African-American, 0.065%; no homozygotes.

Submissions (7):

Women's Health and Genetics/Laboratory Corporation of America, LabCorp
Classification: Likely benign. Last evaluated: 2026-05-26. Review status: criteria provided, single submitter. Criteria: LabCorp Variant Classification Summary - May 2015. Collection method: clinical testing. Allele origin: germline.
Comment: Variant summary: TTN c.50368C>T (p.Arg16790Cys) results in a non-conservative amino acid change located in the A-band region of the encoded protein sequence. Algorithms developed to predict the effect of missense changes on protein structure and function all suggest that this variant is likely to be disruptive. The variant allele was found at a frequency of 9.3e-05 in 247224 control chromosomes, predominantly at a frequency of 0.00073 within the East Asian subpopulation in the gnomAD database. The observed variant frequency within East Asian control individuals in the gnomAD database exceeds the estimated maximal expected allele frequency for disease-causing variants in TTN. The variant, c.50368C>T, has been observed in a hypertrophic cardiomyopathy (HCM) cohort, and in a myopathy cohort in one subject (Filatova_2021, Wei_2023), but was also found in an unaffected individual (e.g. Mazzarotto_2020). These reports do not provide unequivocal conclusions about association of the variant with disease. To our knowledge, no experimental evidence demonstrating an impact on protein function has been reported. The following publications have been ascertained in the context of this evaluation (PMID: 34598319, 37188302, 31983221). ClinVar contains an entry for this variant (Variation ID: 212475). Based on the evidence outlined above, the variant was classified as likely benign.

PreventionGenetics, part of Exact Sciences
Classification: Uncertain significance for TTN-related condition. Last evaluated: 2026-05-09. Review status: criteria provided, single submitter. Criteria: ACMG Guidelines, 2015. Collection method: clinical testing. Allele origin: germline.
Comment: The TTN c.58072C>T variant is predicted to result in the amino acid substitution p.Arg19358Cys. This variant has been reported in an individual with hypertrophic cardiomyopathy (reported as p.R17717C from transcript NM_001256850 in Filatova et al. 2021. PubMed ID: 34598319) and in an individual with rimmed vacuolar myopathy who had another TTN variant (Wei et al. 2023. PubMed ID: 37188302). This variant is reported in 0.077% of alleles in individuals of East Asian descent in gnomAD and has conflicting interpretations regarding its pathogenicity in ClinVar, ranging from likely benign to uncertain. Although we suspect that this variant may be benign, at this time, the clinical significance of this variant is uncertain due to the absence of conclusive functional and genetic evidence.

GeneDx
Classification: Likely benign. Last evaluated: 2021-03-03. Review status: criteria provided, single submitter. Criteria: GeneDx Variant Classification Process June 2021. Collection method: clinical testing. Allele origin: germline. Affected: yes.

Ambry Genetics
Classification: Uncertain significance for Cardiovascular phenotype. Last evaluated: 2020-02-04. Review status: criteria provided, single submitter. Criteria: Ambry Variant Classification Scheme 2023. Collection method: clinical testing. Allele origin: germline.
Comment: The p.R10293C variant (also known as c.30877C>T), located in coding exon 123 of the TTN gene, results from a C to T substitution at nucleotide position 30877. The arginine at codon 10293 is replaced by cysteine, an amino acid with highly dissimilar properties. This amino acid position is highly conserved in available vertebrate species. In addition, the in silico prediction for this alteration is inconclusive. Since supporting evidence is limited at this time, the clinical significance of this alteration remains unclear.

Laboratory for Molecular Medicine, Mass General Brigham Personalized Medicine
Classification: Likely benign. Last evaluated: 2018-10-10. Review status: criteria provided, single submitter. Criteria: LMM Criteria. Collection method: clinical testing. Allele origin: germline. Observed: 1 variant allele.
Comment: The p.Arg16790Cys variant in TTN is classified as likely benign because it has b een identified in 0.08% (15/18656) of East Asian chromosomes and 0.07% (16/23994 ) of African chromosomes by gnomAD. ACMG/AMP Criteria applied: BS1, PP3.

Labcorp Genetics (formerly Invitae), Labcorp
Classification: Uncertain significance for Dilated cardiomyopathy 1G; Autosomal recessive limb-girdle muscular dystrophy type 2J. Last evaluated: 2017-11-06. Review status: criteria provided, single submitter. Criteria: Invitae Variant Classification Sherloc (09022015). Collection method: clinical testing. Allele origin: germline.

Genetic Services Laboratory, University of Chicago
Classification: Uncertain significance. Last evaluated: 2014-04-29. Review status: criteria provided, single submitter. Criteria: ACMG Guidelines, 2007. Collection method: clinical testing. Allele origin: germline.

Literature cited by the submitters: PubMed 31983221 (cited by Women's Health and Genetics/Laboratory Corporation of America, LabCorp); PubMed 34598319 (cited by Women's Health and Genetics/Laboratory Corporation of America, LabCorp); PubMed 37188302 (cited by Women's Health and Genetics/Laboratory Corporation of America, LabCorp).

NM_001267550.2(TTN):c.58072C>T (p.Arg19358Cys)

Genes: TTN (titin; minus strand), TTN-AS1 (TTN antisense RNA 1; plus strand). Cytogenetic location: 2q31.2.
Variant type: single nucleotide variant.
Coding change: c.58072C>T on transcript NM_001267550.2 (MANE Select); coding-DNA position 58072, C replaced by T.
Protein change: p.Arg19358Cys; replaces arginine 19358 with cysteine.
Molecular consequence: missense variant.
Genome position (GRCh38, 1-based): chr2:178,594,422, G>A on the plus strand (C>T on the coding strand, the complement: TTN is on the minus strand). VCF-style: chr2-178594422-G-A. GRCh37 (hg19) VCF-style: chr2-179459149-G-A.
Other names: c.53149C>T, p.Arg17717Cys (NM_001256850.1); c.30877C>T, p.Arg10293Cys (NM_003319.4); c.50368C>T, p.Arg16790Cys (NM_133378.4); c.31252C>T, p.Arg10418Cys (NM_133432.3); c.31453C>T, p.Arg10485Cys (NM_133437.4); short protein forms R16790C, R19358C, R17717C, R10418C, R10293C, R10485C.
Identifiers: ClinVar variation 212475 (VCV000212475.19), dbSNP rs371973579, ClinGen allele CA208075.